The following is an entry in ClinVar:

NM_000070.3(CAPN3):c.665G>A (p.Gly222Glu)

Gene: CAPN3 (calpain 3; plus strand). Cytogenetic location: 15q15.1.
Variant type: single nucleotide variant.
Coding change: c.665G>A on transcript NM_000070.3 (MANE Select); coding-DNA position 665, G replaced by A.
Protein change: p.Gly222Glu; replaces glycine 222 with glutamic acid.
Molecular consequence: missense variant.
Genome position (GRCh38, 1-based): chr15:42,388,960, G>A. VCF-style: chr15-42388960-G-A. GRCh37 (hg19) VCF-style: chr15-42681158-G-A.
Other names: c.665G>A, p.Gly222Glu (NM_024344.2, NM_173087.2); c.404G>A, p.Gly135Glu (NM_212464.2); c.*358G>A (NM_212467.2); short protein forms G135E, G222E.
Identifiers: ClinVar variation 2169808 (VCV002169808.4), dbSNP rs2548260237, ClinGen allele CA391998108.

ClinVar aggregate classification (germline): Likely pathogenic (1 of 4 stars; one submission).

Conditions:
Autosomal recessive limb-girdle muscular dystrophy type 2A (LGMDR1). Also called: Calpainopathy; Limb-girdle muscular dystrophy, type 2A; LEYDEN-MOEBIUS MUSCULAR DYSTROPHY; MUSCULAR DYSTROPHY, PELVOFEMORAL; Muscular dystrophy, limb-girdle, type 2A, Amish. Identifiers: Orphanet 267, MedGen C1869123, MONDO:0009675, OMIM 253600. Disease mechanism: loss of function.

Submission:

Labcorp Genetics (formerly Invitae), Labcorp
Classification: Likely pathogenic for Autosomal recessive limb-girdle muscular dystrophy type 2A. Last evaluated: 2024-04-25. Review status: criteria provided, single submitter. Criteria: Invitae Variant Classification Sherloc (09022015). Collection method: clinical testing. Allele origin: germline.
Comment: This sequence change replaces glycine, which is neutral and non-polar, with glutamic acid, which is acidic and polar, at codon 222 of the CAPN3 protein (p.Gly222Glu). This variant is not present in population databases (gnomAD no frequency). This missense change has been observed in individual(s) with clinical features of autosomal recessive limb-girdle muscular dystrophy (Invitae). In at least one individual the data is consistent with being in trans (on the opposite chromosome) from a pathogenic variant. ClinVar contains an entry for this variant (Variation ID: 2169808). Advanced modeling of protein sequence and biophysical properties (such as structural, functional, and spatial information, amino acid conservation, physicochemical variation, residue mobility, and thermodynamic stability) performed at Invitae indicates that this missense variant is expected to disrupt CAPN3 protein function with a positive predictive value of 80%. This variant disrupts the p.Gly222 amino acid residue in CAPN3. Other variant(s) that disrupt this residue have been determined to be pathogenic (PMID: 9762961, 16542520, 22006685). This suggests that this residue is clinically significant, and that variants that disrupt this residue are likely to be disease-causing. In summary, the currently available evidence indicates that the variant is pathogenic, but additional data are needed to prove that conclusively. Therefore, this variant has been classified as Likely Pathogenic.

Literature cited by the submitters: PubMed 9762961; PubMed 16542520; PubMed 22006685.